The following is an entry in ClinVar:

NM_000321.3(RB1):c.1707A>T (p.Leu569Phe)

Gene: RB1 (RB transcriptional corepressor 1; plus strand). Cytogenetic location: 13q14.2.
Variant type: single nucleotide variant.
Coding change: c.1707A>T on transcript NM_000321.3 (MANE Select); coding-DNA position 1707, A replaced by T.
Protein change: p.Leu569Phe; replaces leucine 569 with phenylalanine.
Molecular consequence: missense variant.
Genome position (GRCh38, 1-based): chr13:48,453,004, A>T. VCF-style: chr13-48453004-A-T. GRCh37 (hg19) VCF-style: chr13-49027140-A-T.
Other names: short protein forms L569F.
Identifiers: ClinVar variation 864187 (VCV000864187.10), dbSNP rs3092895, ClinGen allele CA249305414.

ClinVar aggregate classification (germline): Uncertain significance. Review status: criteria provided, multiple submitters, no conflicts (2 of 4 stars). 2 submissions from 2 submitters: Uncertain significance (2). Last evaluated 2025-02-25.

Conditions:
Retinoblastoma (RB1). Also called: RETINOBLASTOMA, SOMATIC. Identifiers: Orphanet 790, MedGen C0035335, MeSH D012175, MONDO:0008380, OMIM 180200, HP:0009919. Disease mechanism: loss of function. Inheritance: Both sporadic and heritable forms are tested..
Hereditary cancer-predisposing syndrome. Also called: Hereditary Cancer Syndrome; Tumor predisposition; Neoplastic Syndromes, Hereditary; Hereditary neoplastic syndrome. Identifiers: Orphanet 140162, MedGen C0027672, MeSH D009386, MONDO:0015356.

gnomAD v4.1: 1 of 1,612,770 alleles (0.000062%); highest among the groups gnomAD compares: Non-Finnish European, 0.000085%; no homozygotes.

Submissions (2):

Ambry Genetics
Classification: Uncertain significance for Hereditary cancer-predisposing syndrome. Last evaluated: 2025-02-25. Review status: criteria provided, single submitter. Criteria: Ambry Variant Classification Scheme 2023. Collection method: clinical testing. Allele origin: germline.
Comment: The p.L569F variant (also known as c.1707A>T), located in coding exon 18 of the RB1 gene, results from an A to T substitution at nucleotide position 1707. The leucine at codon 569 is replaced by phenylalanine, an amino acid with highly similar properties. This amino acid position is highly conserved in available vertebrate species. In addition, this alteration is predicted to be deleterious by in silico analysis. Based on the available evidence, the clinical significance of this variant remains unclear.

Labcorp Genetics (formerly Invitae), Labcorp
Classification: Uncertain significance for Retinoblastoma. Last evaluated: 2019-11-18. Review status: criteria provided, single submitter. Criteria: Invitae Variant Classification Sherloc (09022015). Collection method: clinical testing. Allele origin: germline.
Comment: This sequence change replaces leucine with phenylalanine at codon 569 of the RB1 protein (p.Leu569Phe). The leucine residue is highly conserved and there is a small physicochemical difference between leucine and phenylalanine. This variant is not present in population databases (ExAC no frequency). This variant has been reported in individuals in the Leiden Open-source Variation Database (PMID: 21520333). Algorithms developed to predict the effect of missense changes on protein structure and function are either unavailable or do not agree on the potential impact of this missense change (SIFT: "Deleterious"; PolyPhen-2: "Probably Damaging"; Align-GVGD: "Class C15"). In summary, the available evidence is currently insufficient to determine the role of this variant in disease. Therefore, it has been classified as a Variant of Uncertain Significance.

Literature cited by the submitters: PubMed 21520333 (cited by Labcorp Genetics (formerly Invitae), Labcorp).